The following is an entry in ClinVar:

NM_182915.3(STEAP3):c.877C>T (p.Arg293Trp)

Genes: STEAP3 (STEAP3 metalloreductase; plus strand), STEAP3-AS1 (STEAP3 antisense RNA 1; minus strand). Cytogenetic location: 2q14.2.
Variant type: single nucleotide variant.
Coding change: c.877C>T on transcript NM_182915.3 (MANE Select); coding-DNA position 877, C replaced by T.
Protein change: p.Arg293Trp; replaces arginine 293 with tryptophan.
Molecular consequence: missense variant.
Genome position (GRCh38, 1-based): chr2:119,248,033, C>T. VCF-style: chr2-119248033-C-T. GRCh37 (hg19) VCF-style: chr2-120005609-C-T.
Other names: c.847C>T, p.Arg283Trp (NM_001008410.2, NM_018234.3, NM_138637.3); short protein forms R293W, R283W.
Identifiers: ClinVar variation 3963197 (VCV003963197.2).

ClinVar aggregate classification (germline): Uncertain significance. Review status: criteria provided, multiple submitters, no conflicts (2 of 4 stars). 2 submissions from 2 submitters: Uncertain significance (2). Last evaluated 2025-06-06.

gnomAD v4.1: 35 of 1,609,330 alleles (0.0022%); highest among the groups gnomAD compares: Admixed American, 0.012%; 1 homozygote.

Submissions (2):

Ambry Genetics
Classification: Uncertain significance. Last evaluated: 2025-06-06. Review status: criteria provided, single submitter. Criteria: Ambry Variant Classification Scheme 2023. Collection method: clinical testing. Allele origin: germline.

Labcorp Genetics (formerly Invitae), Labcorp
Classification: Uncertain significance. Last evaluated: 2025-03-05. Review status: criteria provided, single submitter. Criteria: Invitae Variant Classification Sherloc (09022015). Collection method: clinical testing. Allele origin: germline.
Comment: This sequence change replaces arginine, which is basic and polar, with tryptophan, which is neutral and slightly polar, at codon 283 of the STEAP3 protein (p.Arg283Trp). The frequency data for this variant in the population databases is considered unreliable, as metrics indicate poor data quality at this position in the gnomAD database. This variant has not been reported in the literature in individuals affected with STEAP3-related conditions. An algorithm developed to predict the effect of missense changes on protein structure and function outputs the following: PolyPhen-2: "Benign". The tryptophan amino acid residue is found in multiple mammalian species, which suggests that this missense change does not adversely affect protein function. In summary, the available evidence is currently insufficient to determine the role of this variant in disease. Therefore, it has been classified as a Variant of Uncertain Significance.